The following is an entry in ClinVar:

ClinVar aggregate classification (germline): Likely benign (1 of 4 stars; one submission).

Conditions:
Junctional epidermolysis bullosa. Identifiers: Orphanet 305, MedGen C0079301, MONDO:0017612.

Allele frequency attached by ClinVar (database versions not stated): 1000 Genomes Project 0.01577; 1000 Genomes Project 30x 0.01671; gnomAD 0.01682 and 0.01816; TOPMed 0.01938.

Submission:

Illumina Laboratory Services, Illumina
Classification: Likely benign for Junctional epidermolysis bullosa. Last evaluated: 2017-04-27. Review status: criteria provided, single submitter. Criteria: ICSL Variant Classification Criteria 13 December 2019. Collection method: clinical testing. Allele origin: germline.
Comment: This variant was observed as part of a predisposition screen in an ostensibly healthy population. A literature search was performed for the gene, cDNA change, and amino acid change (where applicable). No publications were found based on this search. Allele frequency data from public databases allowed determination this variant is unlikely to cause disease. Therefore, this variant is classified as likely benign.

NM_000228.3(LAMB3):c.-55G>A

Genes: LAMB3 (laminin subunit beta 3; minus strand), LOC126805999 (MED14-independent group 3 enhancer GRCh37_chr1:209825272-209826471; plus strand). Cytogenetic location: 1q32.2.
Variant type: single nucleotide variant.
Coding change: c.-55G>A on transcript NM_000228.3 (MANE Select); 55 bases upstream of the start codon, G replaced by A.
Molecular consequence: 5 prime UTR variant.
Genome position (GRCh38, 1-based): chr1:209,652,386, C>T on the plus strand (G>A on the coding strand, the complement: LAMB3 is on the minus strand). VCF-style: chr1-209652386-C-T. GRCh37 (hg19) VCF-style: chr1-209825731-C-T.
Identifiers: ClinVar variation 295153 (VCV000295153.5), dbSNP rs75007722, ClinGen allele CA10609008.